The following is an entry in ClinVar:

NM_000039.3(APOA1):c.590G>C (p.Arg197Pro)

Gene: APOA1 (apolipoprotein A1; minus strand). Cytogenetic location: 11q23.3.
Variant type: single nucleotide variant.
Coding change: c.590G>C on transcript NM_000039.3 (MANE Select); coding-DNA position 590, G replaced by C.
Protein change: p.Arg197Pro; replaces arginine 197 with proline.
Molecular consequence: missense variant.
Genome position (GRCh38, 1-based): chr11:116,836,022, C>G on the plus strand (G>C on the coding strand, the complement: APOA1 is on the minus strand). VCF-style: chr11-116836022-C-G. GRCh37 (hg19) VCF-style: chr11-116706738-C-G.
Other names: p.Arg197Pro; c.590G>C (NM_000039.2); c.590G>C, p.Arg197Pro (NM_001318017.2, NM_001318018.2); c.263G>C, p.Arg88Pro (NM_001318021.2); short protein forms R88P, R197P.
Identifiers: ClinVar variation 2137255 (VCV002137255.5), dbSNP rs121912728, ClinGen allele CA229324102.

ClinVar aggregate classification (germline): Pathogenic. Review status: criteria provided, multiple submitters, no conflicts (2 of 4 stars). 2 submissions from 2 submitters: Pathogenic (2). Last evaluated 2025-03-16.

Submissions (2):

Labcorp Genetics (formerly Invitae), Labcorp
Classification: Pathogenic. Last evaluated: 2025-03-16. Review status: criteria provided, single submitter. Criteria: Invitae Variant Classification Sherloc (09022015). Collection method: clinical testing. Allele origin: germline.
Comment: This sequence change replaces arginine, which is basic and polar, with proline, which is neutral and non-polar, at codon 197 of the APOA1 protein (p.Arg197Pro). This variant is not present in population databases (gnomAD no frequency). This missense change has been observed in individuals with amyloidosis (PMID: 10198255, 32257250). It has also been observed to segregate with disease in related individuals. This variant is also known as p.Arg173Pro. ClinVar contains an entry for this variant (Variation ID: 2137255). Invitae Evidence Modeling of protein sequence and biophysical properties (such as structural, functional, and spatial information, amino acid conservation, physicochemical variation, residue mobility, and thermodynamic stability) has been performed for this missense variant. However, the output from this modeling did not meet the statistical confidence thresholds required to predict the impact of this variant on APOA1 protein function. Experimental studies have shown that this missense change affects APOA1 function (PMID: 25950566). For these reasons, this variant has been classified as Pathogenic.

Mayo Clinic Laboratories, Mayo Clinic
Classification: Pathogenic. Last evaluated: 2024-01-09. Review status: criteria provided, single submitter. Criteria: ACMG Guidelines, 2015. Collection method: clinical testing. Allele origin: germline. Observed: 1 variant allele.
Comment: PP1_strong, PM2_moderate, PM5_supporting, PS3, PS4

Literature cited by the submitters: PubMed 10198255 (cited by Labcorp Genetics (formerly Invitae), Labcorp and Mayo Clinic Laboratories, Mayo Clinic); PubMed 32257250 (cited by Labcorp Genetics (formerly Invitae), Labcorp and Mayo Clinic Laboratories, Mayo Clinic); PubMed 25950566 (cited by Labcorp Genetics (formerly Invitae), Labcorp and Mayo Clinic Laboratories, Mayo Clinic).